The following is an entry in ClinVar:

ClinVar aggregate classification (germline): Uncertain significance (1 of 4 stars; one submission).

Conditions:
Immunodeficiency-centromeric instability-facial anomalies syndrome 2 (ICF2). Identifiers: Orphanet 2268, MedGen C3279748, MONDO:0013553, OMIM 614069.

Allele frequency attached by ClinVar (database versions not stated): gnomAD 0.00001 and 0.00002; ExAC 0.00002; gnomAD exomes 0.00002; TOPMed 0.00002.
gnomAD v4.1: 34 of 1,614,178 alleles (0.0021%); highest among the groups gnomAD compares: Non-Finnish European, 0.0024%; no homozygotes.

Submission:

Labcorp Genetics (formerly Invitae), Labcorp
Classification: Uncertain significance for Immunodeficiency-centromeric instability-facial anomalies syndrome 2. Last evaluated: 2022-05-29. Review status: criteria provided, single submitter. Criteria: Invitae Variant Classification Sherloc (09022015). Collection method: clinical testing. Allele origin: germline.
Comment: This sequence change replaces leucine, which is neutral and non-polar, with proline, which is neutral and non-polar, at codon 207 of the ZBTB24 protein (p.Leu207Pro). This variant is present in population databases (rs762302021, gnomAD 0.004%). This variant has not been reported in the literature in individuals affected with ZBTB24-related conditions. ClinVar contains an entry for this variant (Variation ID: 941092). Algorithms developed to predict the effect of missense changes on protein structure and function output the following: SIFT: "Not Available"; PolyPhen-2: "Benign"; Align-GVGD: "Not Available". The proline amino acid residue is found in multiple mammalian species, which suggests that this missense change does not adversely affect protein function. In summary, the available evidence is currently insufficient to determine the role of this variant in disease. Therefore, it has been classified as a Variant of Uncertain Significance.

NM_014797.3(ZBTB24):c.620T>C (p.Leu207Pro)

Gene: ZBTB24 (zinc finger and BTB domain containing 24; minus strand). Cytogenetic location: 6q21.
Variant type: single nucleotide variant.
Coding change: c.620T>C on transcript NM_014797.3 (MANE Select); coding-DNA position 620, T replaced by C.
Protein change: p.Leu207Pro; replaces leucine 207 with proline.
Molecular consequence: missense variant.
Genome position (GRCh38, 1-based): chr6:109,481,407, A>G on the plus strand (T>C on the coding strand, the complement: ZBTB24 is on the minus strand). VCF-style: chr6-109481407-A-G. GRCh37 (hg19) VCF-style: chr6-109802610-A-G.
Other names: c.620T>C, p.Leu207Pro (NM_001164313.2); short protein forms L207P.
Identifiers: ClinVar variation 941092 (VCV000941092.4), dbSNP rs762302021, ClinGen allele CA3954315.